The following is an entry in ClinVar:

ClinVar aggregate classification (germline): Uncertain significance (1 of 4 stars; one submission).

Conditions:
Ullrich congenital muscular dystrophy 2 (UCMD2). Identifiers: Orphanet 75840, MedGen C4225314, MONDO:0014654, OMIM 616470.
Bethlem myopathy 2 (BTHLM2). Identifiers: Orphanet 536516, Orphanet 610, MedGen C4225313, MONDO:0034022, OMIM 616471.

Submission:

Labcorp Genetics (formerly Invitae), Labcorp
Classification: Uncertain significance for Bethlem myopathy 2; Ullrich congenital muscular dystrophy 2. Last evaluated: 2018-05-30. Review status: criteria provided, single submitter. Criteria: Invitae Variant Classification Sherloc (09022015). Collection method: clinical testing. Allele origin: germline.
Comment: In summary, the available evidence is currently insufficient to determine the role of this variant in disease. Therefore, it has been classified as a Variant of Uncertain Significance. Algorithms developed to predict the effect of missense changes on protein structure and function are either unavailable or do not agree on the potential impact of this missense change (SIFT: "Deleterious"; PolyPhen-2: "Benign"; Align-GVGD: "Class C0"). This variant has not been reported in the literature in individuals with COL12A1-related disease. This variant is not present in population databases (ExAC no frequency). This sequence change replaces alanine with threonine at codon 2297 of the COL12A1 protein (p.Ala2297Thr). The alanine residue is highly conserved and there is a small physicochemical difference between alanine and threonine.

NM_004370.6(COL12A1):c.6889G>A (p.Ala2297Thr)

Gene: COL12A1 (collagen type XII alpha 1 chain; minus strand). Cytogenetic location: 6q13.
Variant type: single nucleotide variant.
Coding change: c.6889G>A on transcript NM_004370.6 (MANE Select); coding-DNA position 6889, G replaced by A.
Protein change: p.Ala2297Thr; replaces alanine 2297 with threonine.
Molecular consequence: missense variant.
Genome position (GRCh38, 1-based): chr6:75,123,387, C>T on the plus strand (G>A on the coding strand, the complement: COL12A1 is on the minus strand). VCF-style: chr6-75123387-C-T. GRCh37 (hg19) VCF-style: chr6-75833103-C-T.
Other names: c.3397G>A, p.Ala1133Thr (NM_080645.3); short protein forms A2297T, A1133T.
Identifiers: ClinVar variation 575962 (VCV000575962.9), dbSNP rs1562162215, ClinGen allele CA364728171.